The following is an entry in ClinVar:

ClinVar aggregate classification (germline): Uncertain significance (1 of 4 stars; one submission).

Allele frequency attached by ClinVar (database versions not stated): gnomAD exomes below 0.00001 and 0.00001; gnomAD 0.00001; TOPMed 0.00001; ExAC 0.00005; ESP Exome Variant Server 0.00008.

Submission:

Labcorp Genetics (formerly Invitae), Labcorp
Classification: Uncertain significance. Last evaluated: 2021-03-24. Review status: criteria provided, single submitter. Criteria: Invitae Variant Classification Sherloc (09022015). Collection method: clinical testing. Allele origin: germline.
Comment: In summary, the available evidence is currently insufficient to determine the role of this variant in disease. Therefore, it has been classified as a Variant of Uncertain Significance. Algorithms developed to predict the effect of sequence changes on RNA splicing suggest that this variant is not likely to affect RNA splicing, but this prediction has not been confirmed by published transcriptional studies. This variant has not been reported in the literature in individuals with TULP1-related conditions. This variant is present in population databases (rs377400485, ExAC 0.01%). This sequence change affects codon 441 of the TULP1 mRNA. It is a 'silent' change, meaning that it does not change the encoded amino acid sequence of the TULP1 protein. It affects a nucleotide within the consensus splice site of the intron.

NM_003322.6(TULP1):c.1323T>C (p.Asn441=)

Gene: TULP1 (TUB like protein 1; minus strand). Cytogenetic location: 6p21.31.
Variant type: single nucleotide variant.
Coding change: c.1323T>C on transcript NM_003322.6 (MANE Select); coding-DNA position 1323, T replaced by C.
Protein change: p.Asn441=; no amino-acid change (asparagine 441 retained).
Molecular consequence: synonymous variant.
Genome position (GRCh38, 1-based): chr6:35,503,559, A>G on the plus strand (T>C on the coding strand, the complement: TULP1 is on the minus strand). VCF-style: chr6-35503559-A-G. GRCh37 (hg19) VCF-style: chr6-35471336-A-G.
Other names: c.1164T>C, p.Asn388= (NM_001289395.2).
Identifiers: ClinVar variation 1366775 (VCV001366775.6), dbSNP rs377400485, ClinGen allele CA3772598.
Genomic context (GRCh38, chr6:35,503,559, plus strand): 5'-TGAGCCCCGACTCCTGTTTCTCACATAGGGAGCCAGGGGCCAGGGAGGTGCGGGGCTCAC[A>G]TTTCGGGGCCGGATGGGGACCCTCTCGTTCTCCGCACTCATGCCAGGAATGATGACGGTC-3'
Protein context (NP_003313.3, residues 431-451): ENERVPIRPR[Asn441=]ASDGLLVRWQ